The following is an entry in ClinVar:

NM_000138.5(FBN1):c.6959A>T (p.Asp2320Val)

Gene: FBN1 (fibrillin 1; minus strand). Cytogenetic location: 15q21.1.
Variant type: single nucleotide variant.
Coding change: c.6959A>T on transcript NM_000138.5 (MANE Select); coding-DNA position 6959, A replaced by T.
Protein change: p.Asp2320Val; replaces aspartic acid 2320 with valine.
Molecular consequence: missense variant.
Genome position (GRCh38, 1-based): chr15:48,428,384, T>A on the plus strand (A>T on the coding strand, the complement: FBN1 is on the minus strand). VCF-style: chr15-48428384-T-A. GRCh37 (hg19) VCF-style: chr15-48720581-T-A.
Other names: p.D2320V:GAT>GTT; short protein forms D2320V.
Identifiers: ClinVar variation 200099 (VCV000200099.7), dbSNP rs794728261, ClinGen allele CA016866.
Genomic context (GRCh38, chr15:48,428,384, plus strand): 5'-GTGCGGTGCCAACTGTACTCACCAAGGCACTCGTCCTGGTTGGGGCTGGCGGTAAACCCA[T>A]CATTACACTCACAGGTGTAGCTCCCACGGGTGTTGAGGCAGCGCCCATTCTCACAGATCC-3'
Protein context (NP_000129.3, residues 2310-2330): TRGSYTCECN[Asp2320Val]GFTASPNQDE

ClinVar aggregate classification (germline): Uncertain significance. Review status: criteria provided, multiple submitters, no conflicts (2 of 4 stars). 3 submissions from 3 submitters: Uncertain significance (3). Last evaluated 2026-07-06.

Conditions:
Marfan syndrome (MFS). Also called: MARFAN SYNDROME, TYPE I; Marfan's syndrome; Marfan syndrome, classic; Marfan syndrome type 1; FBN1-Related Marfan Syndrome. Identifiers: Orphanet 284963, Orphanet 558, MedGen C0024796, MONDO:0007947, OMIM 154700.
Familial thoracic aortic aneurysm and aortic dissection (TAAD). Also called: Thoracic aortic aneurysms and dissections. Identifiers: Orphanet 91387, MedGen C4707243, MONDO:0019625.

gnomAD v4.1: 10 of 1,614,100 alleles (0.00062%); highest among the groups gnomAD compares: Non-Finnish European, 0.00085%; no homozygotes.

Submissions (3):

Ambry Genetics
Classification: Uncertain significance for Familial thoracic aortic aneurysm and aortic dissection. Last evaluated: 2026-07-06. Review status: criteria provided, single submitter. Criteria: Ambry Variant Classification Scheme 2023. Collection method: clinical testing. Allele origin: germline.
Comment: The p.D2320V variant (also known as c.6959A>T), located in coding exon 56 of the FBN1 gene, results from an A to T substitution at nucleotide position 6959. The aspartic acid at codon 2320 is replaced by valine, an amino acid with highly dissimilar properties. This amino acid position is conserved. In addition, the in silico prediction for this alteration is inconclusive. Based on the available evidence, the clinical significance of this variant remains unclear.

Labcorp Genetics (formerly Invitae), Labcorp
Classification: Uncertain significance for Marfan syndrome; Familial thoracic aortic aneurysm and aortic dissection. Last evaluated: 2022-09-02. Review status: criteria provided, single submitter. Criteria: Invitae Variant Classification Sherloc (09022015). Collection method: clinical testing. Allele origin: germline.
Comment: This sequence change replaces aspartic acid, which is acidic and polar, with valine, which is neutral and non-polar, at codon 2320 of the FBN1 protein (p.Asp2320Val). This variant is not present in population databases (gnomAD no frequency). This variant has not been reported in the literature in individuals affected with FBN1-related conditions. ClinVar contains an entry for this variant (Variation ID: 200099). Algorithms developed to predict the effect of missense changes on protein structure and function are either unavailable or do not agree on the potential impact of this missense change (SIFT: "Deleterious"; PolyPhen-2: "Possibly Damaging"; Align-GVGD: "Class C0"). In summary, the available evidence is currently insufficient to determine the role of this variant in disease. Therefore, it has been classified as a Variant of Uncertain Significance.

GeneDx
Classification: Uncertain significance. Last evaluated: 2013-12-16. Review status: criteria provided, single submitter. Criteria: GeneDx Variant Classification (06012015). Collection method: clinical testing. Allele origin: germline. Affected: yes.
Comment: p.Asp2320Val (GAT>GTT): c.6959 A>T in exon 57 of the FBN1 gene (NM_000138.4)The Asp2320Val variant in the FBN1 gene has not been reported as a disease-causing mutation or as a benign polymorphism to our knowledge. Asp2320Val results in a non-conservative amino acid substitution of negatively charged Aspartic Acid with a non-polar Valine at a position that is class-conserved across species. Furthermore, the Asp2320Val variant was not observed in approximately 6500 individuals of European and African American ancestry in the NHLBI Exome Sequencing Project, indicating it is not a common benign variant in these populations. Mutations in nearby residues (Cys2316Arg, Cys2318Arg, Cys2318Tyr) have been reported in association with Marfan syndrome, supporting the functional importance of this region of the protein. Nevertheless, in silico algorithms are not consistent in their predictions, but at least two concur that Asp2320Val is benign to the protein structure/function. With the clinical and molecular information available at this time, we cannot definitively determine if Asp2320Val is a disease-causing mutation or a rare benign variant. The variant is found in TAAD panel(s).